The following is an entry in ClinVar:

NM_002506.3(NGF):c.428T>C (p.Val143Ala)

Genes: NGF (nerve growth factor; minus strand), NGF-AS1 (NGF antisense RNA 1; plus strand). Cytogenetic location: 1p13.2.
Variant type: single nucleotide variant.
Coding change: c.428T>C on transcript NM_002506.3 (MANE Select); coding-DNA position 428, T replaced by C.
Protein change: p.Val143Ala; replaces valine 143 with alanine.
Molecular consequence: missense variant.
Genome position (GRCh38, 1-based): chr1:115,286,368, A>G on the plus strand (T>C on the coding strand, the complement: NGF is on the minus strand). VCF-style: chr1-115286368-A-G. GRCh37 (hg19) VCF-style: chr1-115828989-A-G.
Other names: short protein forms V143A.
Identifiers: ClinVar variation 2420228 (VCV002420228.4), dbSNP rs758273427, ClinGen allele CA341836574.

ClinVar aggregate classification (germline): Uncertain significance. Review status: criteria provided, multiple submitters, no conflicts (2 of 4 stars). 2 submissions from 2 submitters: Uncertain significance (2). Last evaluated 2025-12-12.

Conditions:
NGF-related disorder. Also called: NGF-related condition.
Congenital sensory neuropathy with selective loss of small myelinated fibers (HSAN5). Also called: HSAN Type V. Identifiers: Orphanet 64752, MedGen C0020075, MONDO:0012092, OMIM 608654.

Allele frequency attached by ClinVar (database versions not stated): gnomAD exomes 0.00001; gnomAD 0.00009.
gnomAD v4.1: 22 of 1,613,650 alleles (0.0014%); highest among the groups gnomAD compares: Admixed American, 0.03%; 1 homozygote.

Submissions (2):

PreventionGenetics, part of Exact Sciences
Classification: Uncertain significance for NGF-related condition. Last evaluated: 2025-12-12. Review status: criteria provided, single submitter. Criteria: ACMG Guidelines, 2015. Collection method: clinical testing. Allele origin: germline.
Comment: The NGF c.428T>C variant is predicted to result in the amino acid substitution p.Val143Ala. To our knowledge, this variant has not been reported in the literature. This variant is reported in 1 of 31298 alleles in an individual of Latino descent in gnomAD. At this time, the clinical significance of this variant is uncertain due to the absence of conclusive functional and genetic evidence.

Labcorp Genetics (formerly Invitae), Labcorp
Classification: Uncertain significance for Congenital sensory neuropathy with selective loss of small myelinated fibers. Last evaluated: 2022-07-13. Review status: criteria provided, single submitter. Criteria: Invitae Variant Classification Sherloc (09022015). Collection method: clinical testing. Allele origin: germline.
Comment: This sequence change replaces valine, which is neutral and non-polar, with alanine, which is neutral and non-polar, at codon 143 of the NGF protein (p.Val143Ala). This variant is not present in population databases (gnomAD no frequency). This variant has not been reported in the literature in individuals affected with NGF-related conditions. Algorithms developed to predict the effect of missense changes on protein structure and function (SIFT, PolyPhen-2, Align-GVGD) all suggest that this variant is likely to be disruptive. In summary, the available evidence is currently insufficient to determine the role of this variant in disease. Therefore, it has been classified as a Variant of Uncertain Significance.